The following is an entry in ClinVar:

ClinVar aggregate classification (germline): Conflicting classifications of pathogenicity. Review status: criteria provided, conflicting classifications (1 of 4 stars). 3 submissions from 3 submitters: Uncertain significance (1); Likely benign (2). Last evaluated 2026-05-07.

Allele frequency attached by ClinVar (database versions not stated): gnomAD exomes below 0.00001 and 0.00001; ExAC 0.00001; gnomAD 0.00001; TOPMed 0.00002.
gnomAD v4.1: 3 of 1,606,500 alleles (0.00019%); highest among the groups gnomAD compares: Admixed American, 0.0033%; no homozygotes.

Submissions (3):

GeneDx
Classification: Uncertain significance. Last evaluated: 2026-05-07. Review status: criteria provided, single submitter. Criteria: GeneDx Variant Classification Process June 2021. Collection method: clinical testing. Allele origin: germline.
Comment: In silico analysis suggests that this variant does not alter splicing; Not observed at significant frequency in large population cohorts (gnomAD); Has not been previously published as pathogenic or benign to our knowledge; This variant is associated with the following publications: (PMID: 15537665)

Blueprint Genetics
Classification: Likely benign. Last evaluated: 2024-09-16. Review status: criteria provided, single submitter. Criteria: ACMG Guidelines, 2015. Collection method: clinical testing. Allele origin: germline.

Labcorp Genetics (formerly Invitae), Labcorp
Classification: Likely benign. Last evaluated: 2024-02-03. Review status: criteria provided, single submitter. Criteria: Invitae Variant Classification Sherloc (09022015). Collection method: clinical testing. Allele origin: germline.

NM_022124.6(CDH23):c.2391G>A (p.Val797=)

Gene: CDH23 (cadherin related 23; plus strand). Cytogenetic location: 10q22.1.
Variant type: single nucleotide variant.
Coding change: c.2391G>A on transcript NM_022124.6 (MANE Select); coding-DNA position 2391, G replaced by A.
Protein change: p.Val797=; no amino-acid change (valine 797 retained).
Molecular consequence: synonymous variant.
Genome position (GRCh38, 1-based): chr10:71,695,519, G>A. VCF-style: chr10-71695519-G-A. GRCh37 (hg19) VCF-style: chr10-73455276-G-A.
Other names: c.2391G>A, p.Val797= (NM_001171930.2, NM_001171931.2).
Identifiers: ClinVar variation 797564 (VCV000797564.11), dbSNP rs762753818, ClinGen allele CA5544194.